The following is an entry in ClinVar:

ClinVar aggregate classification (germline): Benign. Review status: criteria provided, multiple submitters, no conflicts (2 of 4 stars). 3 submissions from 3 submitters: Benign (2). 1 of the submissions does not count toward it. Last evaluated 2019-12-31.

Conditions:
TP53BP2-related disorder. Also called: TP53BP2-related condition.

Allele frequency attached by ClinVar (database versions not stated): 1000 Genomes Project 0.00399; 1000 Genomes Project 30x 0.00422; TOPMed 0.00727; gnomAD exomes 0.00742; ExAC 0.00787; ESP Exome Variant Server 0.00871.

Submissions (3):

Labcorp Genetics (formerly Invitae), Labcorp
Classification: Benign. Last evaluated: 2019-12-31. Review status: criteria provided, single submitter. Criteria: Invitae Variant Classification Sherloc (09022015). Collection method: clinical testing. Allele origin: germline.

Breakthrough Genomics
Classification: Benign. Review status: criteria provided, single submitter. Criteria: ACMG Guidelines, 2015. Collection method: not provided. Allele origin: germline. Inheritance: Unknown mechanism. Affected: yes.

PreventionGenetics, part of Exact Sciences
Classification: Benign for TP53BP2-related condition. Last evaluated: 2019-03-27. Review status: no assertion criteria provided. Collection method: clinical testing. Allele origin: germline. Not counted in ClinVar's aggregate classification.
Comment: This variant is classified as benign based on ACMG/AMP sequence variant interpretation guidelines (Richards et al. 2015 PMID: 25741868, with internal and published modifications).

NM_001031685.3(TP53BP2):c.268C>T (p.Arg90Cys)

Gene: TP53BP2 (tumor protein p53 binding protein 2; minus strand). Cytogenetic location: 1q41.
Variant type: single nucleotide variant.
Coding change: c.268C>T on transcript NM_001031685.3 (MANE Select); coding-DNA position 268, C replaced by T.
Protein change: p.Arg90Cys; replaces arginine 90 with cysteine.
Molecular consequence: missense variant. On other transcripts: 5 prime UTR variant (1).
Genome position (GRCh38, 1-based): chr1:223,814,261, G>A on the plus strand (C>T on the coding strand, the complement: TP53BP2 is on the minus strand). VCF-style: chr1-223814261-G-A. GRCh37 (hg19) VCF-style: chr1-224001963-G-A.
Other names: c.-120C>T (NM_005426.3); short protein forms R90C.
Identifiers: ClinVar variation 770862 (VCV000770862.7), dbSNP rs76208122, ClinGen allele CA1413185.